The following is an entry in ClinVar:

ClinVar aggregate classification (germline): Uncertain significance (1 of 4 stars; one submission).

Conditions:
Familial hemophagocytic lymphohistiocytosis 3 (FHL3). Also called: UNC13D-Related Familial Hemophagocytic Lymphohistiocytosis (UNC13D-fHLH). Identifiers: Orphanet 540, MedGen C1837174, MONDO:0012146, OMIM 608898.

Allele frequency attached by ClinVar (database versions not stated): TOPMed below 0.00001; gnomAD 0.00003; gnomAD exomes 0.00004 and 0.00006; ExAC 0.00013.

Submission:

Labcorp Genetics (formerly Invitae), Labcorp
Classification: Uncertain significance for Familial hemophagocytic lymphohistiocytosis 3. Last evaluated: 2024-08-19. Review status: criteria provided, single submitter. Criteria: Invitae Variant Classification Sherloc (09022015). Collection method: clinical testing. Allele origin: germline.
Comment: This sequence change creates a premature translational stop signal (p.Gln1080*) in the UNC13D gene. While this is not anticipated to result in nonsense mediated decay, it is expected to disrupt the last 11 amino acid(s) of the UNC13D protein. This variant is present in population databases (rs545293601, gnomAD 0.05%). This variant has not been reported in the literature in individuals affected with UNC13D-related conditions. ClinVar contains an entry for this variant (Variation ID: 1364181). Algorithms developed to predict the effect of sequence changes on RNA splicing suggest that this variant may create or strengthen a splice site. In summary, the available evidence is currently insufficient to determine the role of this variant in disease. Therefore, it has been classified as a Variant of Uncertain Significance.

NM_199242.3(UNC13D):c.3238C>T (p.Gln1080Ter)

Gene: UNC13D (unc-13 homolog D; minus strand). Cytogenetic location: 17q25.1.
Variant type: single nucleotide variant.
Coding change: c.3238C>T on transcript NM_199242.3 (MANE Select); coding-DNA position 3238, C replaced by T.
Protein change: p.Gln1080Ter; replaces glutamine 1080 with a stop codon.
Molecular consequence: nonsense.
Genome position (GRCh38, 1-based): chr17:75,828,000, G>A on the plus strand (C>T on the coding strand, the complement: UNC13D is on the minus strand). VCF-style: chr17-75828000-G-A. GRCh37 (hg19) VCF-style: chr17-73824081-G-A.
Other names: short protein forms Q1080*.
Identifiers: ClinVar variation 1364181 (VCV001364181.5), dbSNP rs545293601, ClinGen allele CA8772213.